The following is an entry in ClinVar:

ClinVar aggregate classification (germline): Uncertain significance (1 of 4 stars; one submission).

Conditions:
Usher syndrome type 3B. Also called: USHER SYNDROME, TYPE IIIB. Identifiers: MedGen C3281066, MONDO:0013788, OMIM 614504.

Submission:

Labcorp Genetics (formerly Invitae), Labcorp
Classification: Uncertain significance for Usher syndrome type 3B. Last evaluated: 2021-06-22. Review status: criteria provided, single submitter. Criteria: Invitae Variant Classification Sherloc (09022015). Collection method: clinical testing. Allele origin: unknown.
Comment: This variant results in the deletion of exons 2-3 and part of exon 1 (c.56_301-426del) of the HARS gene. It is expected to disrupt RNA splicing. Variants that disrupt the donor or acceptor splice site typically lead to a loss of protein function (PMID: 16199547), however the current clinical and genetic evidence is not sufficient to establish whether loss-of-function variants in HARS cause disease. This variant has not been reported in the literature in individuals with HARS-related conditions. In summary, the available evidence is currently insufficient to determine the role of this variant in disease. Therefore, it has been classified as a Variant of Uncertain Significance.

Literature cited by the submitters: PubMed 16199547.

NC_000005.9:g.(?_140059894)_(140070834_?)del

Gene: HARS1 (histidyl-tRNA synthetase 1; minus strand). Cytogenetic location: 5q31.3.
Variant type: Deletion.
Identifiers: ClinVar variation 3246405 (VCV003246405.1).